The following is an entry in ClinVar:

ClinVar aggregate classification (germline): Uncertain significance (1 of 4 stars; one submission).

Conditions:
Hereditary cancer-predisposing syndrome. Also called: Tumor predisposition; Hereditary Cancer Syndrome; Hereditary neoplastic syndrome; Neoplastic Syndromes, Hereditary. Identifiers: Orphanet 140162, MedGen C0027672, MeSH D009386, MONDO:0015356.

Submission:

Ambry Genetics
Classification: Uncertain significance for Hereditary cancer-predisposing syndrome. Last evaluated: 2023-07-03. Review status: criteria provided, single submitter. Criteria: Ambry Variant Classification Scheme 2023. Collection method: clinical testing. Allele origin: germline.
Comment: The c.2745dupC variant, located in coding exon 11 of the MET gene, results from a duplication of C at nucleotide position 2745, causing a translational frameshift with a predicted alternate stop codon (p.N916Qfs*2). This alteration is expected to result in protein truncation or nonsense-mediated mRNA decay. However, loss of function of MET has not been established as a mechanism of disease. Since supporting evidence is limited at this time, the clinical significance of this alteration remains unclear.

NM_000245.4(MET):c.2691dup (p.Asn898fs)

Gene: MET (MET proto-oncogene, receptor tyrosine kinase; plus strand). Cytogenetic location: 7q31.2.
Variant type: Duplication.
Coding change: c.2691dup on transcript NM_000245.4 (MANE Select); coding-DNA position 2691, one base duplicated (C; older notation c.2691dupC).
Protein change: p.Asn898fs; shifts the reading frame from asparagine 898.
Molecular consequence: frameshift variant.
Genome position (GRCh38, 1-based): chr7:116,769,752, C duplicated; the last of 4 consecutive C bases (chr7:116,769,749-116,769,752); duplicating any one gives the same sequence. VCF-style (leftmost placement, unchanged base first): chr7-116769748-T-TC. GRCh37 (hg19) VCF-style: chr7-116409802-T-TC.
Other names: c.2745dup, p.Asn916fs (NM_001127500.3); c.2691dup, p.Asn898fs (NM_001324401.3); c.1401dup, p.Asn468fs (NM_001324402.2); c.2745dupC (NM_001127500.1); short protein forms N916fs, N468fs, N898fs.
Identifiers: ClinVar variation 2587464 (VCV002587464.2), dbSNP rs2485767731, ClinGen allele CA2582341934.